The following is an entry in ClinVar:

ClinVar aggregate classification (germline): Uncertain significance. Review status: criteria provided, multiple submitters, no conflicts (2 of 4 stars). 3 submissions from 3 submitters: Uncertain significance (3). Last evaluated 2024-10-02.

Conditions:
Hereditary cancer-predisposing syndrome. Also called: Neoplastic Syndromes, Hereditary; Tumor predisposition; Hereditary Cancer Syndrome; Hereditary neoplastic syndrome. Identifiers: Orphanet 140162, MedGen C0027672, MeSH D009386, MONDO:0015356.
Familial adenomatous polyposis 1 (FAP1). Also called: FAMILIAL ADENOMATOUS POLYPOSIS 1, ATTENUATED; POLYPOSIS, ADENOMATOUS INTESTINAL. Identifiers: MedGen C2713442, MONDO:0021056, OMIM 175100. Disease mechanism: loss of function.

Allele frequency attached by ClinVar (database versions not stated): gnomAD exomes below 0.00001.
gnomAD v4.1: 1 of 1,613,818 alleles (0.000062%); no homozygotes.

Submissions (3):

Ambry Genetics
Classification: Uncertain significance for Hereditary cancer-predisposing syndrome. Last evaluated: 2024-10-02. Review status: criteria provided, single submitter. Criteria: Ambry Variant Classification Scheme 2023. Collection method: clinical testing. Allele origin: germline.
Comment: The p.G2325S variant (also known as c.6973G>A), located in coding exon 15 of the APC gene, results from a G to A substitution at nucleotide position 6973. The glycine at codon 2325 is replaced by serine, an amino acid with similar properties. This amino acid position is highly conserved in available vertebrate species. In addition, in silico predictors for this gene do not accurately predict pathogenicity. Missense alterations in APC are not a common cause of disease (Spier I et al. Genet Med. 2024 Feb;26(2):100992). Based on the available evidence, the clinical significance of this variant remains unclear.

Labcorp Genetics (formerly Invitae), Labcorp
Classification: Uncertain significance for Familial adenomatous polyposis 1. Last evaluated: 2022-11-28. Review status: criteria provided, single submitter. Criteria: Invitae Variant Classification Sherloc (09022015). Collection method: clinical testing. Allele origin: germline.
Comment: In summary, the available evidence is currently insufficient to determine the role of this variant in disease. Therefore, it has been classified as a Variant of Uncertain Significance. Advanced modeling of protein sequence and biophysical properties (such as structural, functional, and spatial information, amino acid conservation, physicochemical variation, residue mobility, and thermodynamic stability) performed at Invitae indicates that this missense variant is not expected to disrupt APC protein function. ClinVar contains an entry for this variant (Variation ID: 920973). This variant has not been reported in the literature in individuals affected with APC-related conditions. This variant is present in population databases (no rsID available, gnomAD 0.003%). This sequence change replaces glycine, which is neutral and non-polar, with serine, which is neutral and polar, at codon 2325 of the APC protein (p.Gly2325Ser).

Color Diagnostics, LLC DBA Color Health
Classification: Uncertain significance for Hereditary cancer-predisposing syndrome. Last evaluated: 2019-08-22. Review status: criteria provided, single submitter. Criteria: ACMG Guidelines, 2015. Collection method: clinical testing. Allele origin: germline.
Comment: This missense variant replaces glycine with serine at codon 2325 of the APC protein. Computational prediction tools and conservation analyses suggest that this variant may have deleterious impact on protein structure and function. Splice site prediction tools suggest that this variant may not impact RNA splicing. To our knowledge, functional studies have not been performed for this variant. This variant has not been reported in individuals affected with hereditary cancer in the literature. This variant has been identified in 1/250698 chromosomes in the general population by the Genome Aggregation Database (gnomAD). The available evidence is insufficient to determine the role of this variant in disease conclusively. Therefore, this variant is classified as a Variant of Uncertain Significance.

NM_000038.6(APC):c.6973G>A (p.Gly2325Ser)

Gene: APC (APC regulator of Wnt signaling pathway; plus strand). Cytogenetic location: 5q22.2.
Variant type: single nucleotide variant.
Coding change: c.6973G>A on transcript NM_000038.6 (MANE Select); coding-DNA position 6973, G replaced by A.
Protein change: p.Gly2325Ser; replaces glycine 2325 with serine.
Molecular consequence: missense variant.
Genome position (GRCh38, 1-based): chr5:112,842,567, G>A. VCF-style: chr5-112842567-G-A. GRCh37 (hg19) VCF-style: chr5-112178264-G-A.
Other names: c.7027G>A, p.Gly2343Ser (NM_001354896.2); c.6919G>A, p.Gly2307Ser (NM_001127511.3); c.6973G>A, p.Gly2325Ser (NM_001354895.2, NM_001127510.3); c.7003G>A, p.Gly2335Ser (NM_001354897.2); c.6898G>A, p.Gly2300Ser (NM_001354898.2); c.6889G>A, p.Gly2297Ser (NM_001354899.2); c.6850G>A, p.Gly2284Ser (NM_001354900.2); c.6796G>A, p.Gly2266Ser (NM_001354901.2); and 5 more; short protein forms G2165S, G2199S, G2284S, G2297S, G2307S, G2042S, G2300S, G2325S.
Identifiers: ClinVar variation 920973 (VCV000920973.50), dbSNP rs1273915855, ClinGen allele CA16036534.